The following is an entry in ClinVar:

ClinVar aggregate classification (germline): Likely pathogenic. Review status: criteria provided, single submitter (1 of 4 stars). 3 submissions from 3 submitters: Likely pathogenic (1). 2 of the submissions do not count toward it. Last evaluated 2024-02-05.

Conditions:
Walker-Warburg congenital muscular dystrophy. Also called: Muscular dystrophy-dystroglycanopathy, type A; Walker-Warburg syndrome. Identifiers: Orphanet 899, MedGen C0265221, MONDO:0000171.
Muscular dystrophy-dystroglycanopathy (congenital with brain and eye anomalies), type A, 4 (MDDGA4). Also called: WALKER-WARBURG SYNDROME OR MUSCLE-EYE-BRAIN DISEASE, FKTN-RELATED; Muscular dystrophy, congenital, with central nervous system involvement; Cerebromuscular dystrophy, Fukuyama type; Fukuyama congenital muscular dystrophy; Muscular dystrophy, congenital progressive, with mental retardation; Congenital muscular dystrophy-dystroglycanopathy with brain and eye anomalies, type A4. Identifiers: Orphanet 272, Orphanet 588, Orphanet 899, MedGen C0410174, MONDO:0009678, OMIM 253800.
Autosomal recessive limb-girdle muscular dystrophy type 2M. Also called: MUSCULAR DYSTROPHY-DYSTROGLYCANOPATHY (LIMB-GIRDLE), TYPE C, 4; MUSCULAR DYSTROPHY, LIMB-GIRDLE, TYPE 2M. Identifiers: Orphanet 206554, MedGen C1969040, MONDO:0012699, OMIM 611588.

Allele frequency attached by ClinVar (database versions not stated): gnomAD exomes below 0.00001.
gnomAD v4.1: 2 of 1,607,154 alleles (0.00012%); highest among the groups gnomAD compares: Non-Finnish European, 0.00017%; no homozygotes.

Submissions (3):

Labcorp Genetics (formerly Invitae), Labcorp
Classification: Likely pathogenic for Walker-Warburg congenital muscular dystrophy. Last evaluated: 2024-02-05. Review status: criteria provided, single submitter. Criteria: Invitae Variant Classification Sherloc (09022015). Collection method: clinical testing. Allele origin: germline.
Comment: This sequence change replaces alanine, which is neutral and non-polar, with threonine, which is neutral and polar, at codon 114 of the FKTN protein (p.Ala114Thr). This variant is not present in population databases (gnomAD no frequency). This missense change has been observed in individual(s) with FKTN-related conditions (PMID: 17878207, 19342235). It has also been observed to segregate with disease in related individuals. ClinVar contains an entry for this variant (Variation ID: 3213). Advanced modeling of protein sequence and biophysical properties (such as structural, functional, and spatial information, amino acid conservation, physicochemical variation, residue mobility, and thermodynamic stability) has been performed at Invitae for this missense variant, however the output from this modeling did not meet the statistical confidence thresholds required to predict the impact of this variant on FKTN protein function. In summary, the currently available evidence indicates that the variant is pathogenic, but additional data are needed to prove that conclusively. Therefore, this variant has been classified as Likely Pathogenic.

Counsyl
Classification: Uncertain significance for Muscular dystrophy-dystroglycanopathy (congenital with brain and eye anomalies), type A, 4. Last evaluated: 2017-01-09. Review status: no assertion criteria provided. Collection method: clinical testing. Allele origin: unknown. Not counted in ClinVar's aggregate classification.

OMIM
Classification: Pathogenic for MUSCULAR DYSTROPHY-DYSTROGLYCANOPATHY (LIMB-GIRDLE), TYPE C, 4. Last evaluated: 2009-05-01. Review status: no assertion criteria provided. Collection method: literature only. Allele origin: germline. Not counted in ClinVar's aggregate classification.

Literature cited by the submitters: PubMed 17878207 (cited by 3 submitters); PubMed 19342235 (cited by 3 submitters); PubMed 22275357 (cited by Counsyl).

NM_001079802.2(FKTN):c.340G>A (p.Ala114Thr)

Gene: FKTN (fukutin; plus strand). Cytogenetic location: 9q31.2.
Variant type: single nucleotide variant.
Coding change: c.340G>A on transcript NM_001079802.2 (MANE Select); coding-DNA position 340, G replaced by A.
Protein change: p.Ala114Thr; replaces alanine 114 with threonine.
Molecular consequence: missense variant. On other transcripts: 5 prime UTR variant (4), non-coding transcript variant (2).
Genome position (GRCh38, 1-based): chr9:105,601,319, G>A. VCF-style: chr9-105601319-G-A. GRCh37 (hg19) VCF-style: chr9-108363600-G-A.
Other names: c.340G>A, p.Ala114Thr (NM_001198963.2, NM_001351496.2, NM_001351498.2 and 1 more transcripts); c.271G>A, p.Ala91Thr (NM_001351497.2); c.-175G>A (NM_001351499.2, NM_001351500.2, NM_001351501.2 and 1 more transcripts); short protein forms A114T, A91T.
Identifiers: ClinVar variation 3213 (VCV000003213.8), dbSNP rs119463995, ClinGen allele CA116076.